The following is an entry in ClinVar:

NM_001355436.2(SPTB):c.220C>T (p.Arg74Cys)

Gene: SPTB (spectrin beta, erythrocytic; minus strand). Cytogenetic location: 14q23.3.
Variant type: single nucleotide variant.
Coding change: c.220C>T on transcript NM_001355436.2 (MANE Select); coding-DNA position 220, C replaced by T.
Protein change: p.Arg74Cys; replaces arginine 74 with cysteine.
Molecular consequence: missense variant.
Genome position (GRCh38, 1-based): chr14:64,805,019, G>A on the plus strand (C>T on the coding strand, the complement: SPTB is on the minus strand). VCF-style: chr14-64805019-G-A. GRCh37 (hg19) VCF-style: chr14-65271737-G-A.
Other names: c.220C>T, p.Arg74Cys (NM_001024858.4, NM_001355437.2); short protein forms R74C.
Identifiers: ClinVar variation 1163562 (VCV001163562.5), dbSNP rs575005279, ClinGen allele CA7231513.

ClinVar aggregate classification (germline): Uncertain significance. Review status: criteria provided, multiple submitters, no conflicts (2 of 4 stars). 2 submissions from 2 submitters: Uncertain significance (2). Last evaluated 2020-02-11.

Conditions:
Hereditary spherocytosis type 2. Also called: SPHEROCYTOSIS, TYPE 2, AUTOSOMAL DOMINANT. Identifiers: Orphanet 822, MedGen C2674219, MONDO:0000913, OMIM 616649.

Allele frequency attached by ClinVar (database versions not stated): gnomAD 0.00001 and 0.00005; TOPMed 0.00002; gnomAD exomes 0.00011 and 0.00023; 1000 Genomes Project 30x 0.00016; 1000 Genomes Project 0.00020; ExAC 0.00023.
gnomAD v4.1: 167 of 1,613,810 alleles (0.01%); highest among the groups gnomAD compares: South Asian, 0.16%; 2 homozygotes.

Submissions (2):

Mayo Clinic Laboratories, Mayo Clinic
Classification: Uncertain significance. Last evaluated: 2020-02-11. Review status: criteria provided, single submitter. Criteria: ACMG Guidelines, 2015. Collection method: clinical testing. Allele origin: germline. Observed: 1 variant allele.

Neuberg Centre For Genomic Medicine, NCGM
Classification: Uncertain significance for Hereditary spherocytosis type 2. Review status: criteria provided, single submitter. Criteria: ACMG Guidelines, 2015. Collection method: clinical testing. Allele origin: germline. Inheritance: Autosomal dominant inheritance. Affected: yes.
Comment: The missense variant c.220C>T (p.Arg74Cys) in SPTB gene has not been reported previously as a pathogenic variant nor as a benign variant, to our knowledge. This variant has been reported to the ClinVar database as Uncertain Significance. The p.Arg74Cys variant is novel (not in any individuals) in 1000 Genomes and allele frequency of 0.02267% is reported in gnomAD. The amino acid Arg at position 74 is changed to a Cys changing protein sequence and it might alter its composition and physico-chemical properties. The amino acid change p.Arg74Cys in SPTB is predicted as conserved by GERP++ and PhyloP across 100 vertebrates. For these reasons, this variant has been classified as Uncertain Significance.